The following is an entry in ClinVar:

NM_001375567.1(FOCAD):c.3811A>G (p.Met1271Val)

Gene: FOCAD (focadhesin; plus strand). Cytogenetic location: 9p21.3.
Variant type: single nucleotide variant.
Coding change: c.3811A>G on transcript NM_001375567.1 (MANE Select); coding-DNA position 3811, A replaced by G.
Protein change: p.Met1271Val; replaces methionine 1271 with valine.
Molecular consequence: missense variant.
Genome position (GRCh38, 1-based): chr9:20,948,863, A>G. VCF-style: chr9-20948863-A-G. GRCh37 (hg19) VCF-style: chr9-20948862-A-G.
Other names: c.3706A>G, p.Met1236Val (NM_001375568.1, NM_001375570.1); c.3811A>G, p.Met1271Val (NM_017794.5); c.3811A>G (NM_017794.3); short protein forms M1271V, M1236V.
Identifiers: ClinVar variation 3630984 (VCV003630984.3).

ClinVar aggregate classification (germline): Uncertain significance. Review status: criteria provided, multiple submitters, no conflicts (2 of 4 stars). 2 submissions from 2 submitters: Uncertain significance (2). Last evaluated 2025-11-28.

Conditions:
Inborn genetic diseases. Identifiers: MedGen C0950123, MeSH D030342.

Submissions (2):

Labcorp Genetics (formerly Invitae), Labcorp
Classification: Uncertain significance. Last evaluated: 2025-11-28. Review status: criteria provided, single submitter. Criteria: Invitae Variant Classification Sherloc (09022015). Collection method: clinical testing. Allele origin: germline.
Comment: This sequence change replaces methionine, which is neutral and non-polar, with valine, which is neutral and non-polar, at codon 1271 of the FOCAD protein (p.Met1271Val). This variant is present in population databases (rs761488410, gnomAD 0.07%), and has an allele count higher than expected for a pathogenic variant. This variant has not been reported in the literature in individuals affected with FOCAD-related conditions. ClinVar contains an entry for this variant (Variation ID: 3630984). An algorithm developed to predict the effect of missense changes on protein structure and function outputs the following: PolyPhen-2: "Not Available". The valine amino acid residue is found in multiple mammalian species, which suggests that this missense change does not adversely affect protein function. In summary, the available evidence is currently insufficient to determine the role of this variant in disease. Therefore, it has been classified as a Variant of Uncertain Significance.

Ambry Genetics
Classification: Uncertain significance for Inborn genetic diseases. Last evaluated: 2025-06-19. Review status: criteria provided, single submitter. Criteria: Ambry Variant Classification Scheme 2023. Collection method: clinical testing. Allele origin: germline.